The following is an entry in ClinVar:

ClinVar aggregate classification (germline): Likely pathogenic (1 of 4 stars; one submission).

Conditions:
Methylcobalamin deficiency type cblE (HMAE). Also called: HOMOCYSTINURIA-MEGALOBLASTIC ANEMIA, cblE TYPE; HOMOCYSTINURIA-MEGALOBLASTIC ANEMIA, cblE COMPLEMENTATION TYPE; VITAMIN B12-RESPONSIVE HOMOCYSTINURIA, cblE TYPE. Identifiers: Orphanet 2169, Orphanet 622, MedGen C1856057, MONDO:0009354, OMIM 236270.

Submission:

Natera, Inc.
Classification: Likely pathogenic for CblE complementation type homocystinuria-megaloblastic anemia due to defect in cobalamin metabolism. Last evaluated: 2025-10-20. Review status: criteria provided, single submitter. Criteria: Natera Variant Classification Schema (03/2026). Collection method: clinical testing. Allele origin: germline.
Comment: The c.1680_1683del variant in MTRR is a frameshift variant predicted to shift the reading frame beginning at codon 560 and leads to a stop codon 42 codons downstream. This variant is expected to result in nonsense mediated decay, truncation, or a dysfunctional protein product. This variant is rare in the general population with a frequency below the threshold expected for the associated phenotype(s). Given the available evidence, this variant is classified as Likely Pathogenic.

NM_002454.3(MTRR):c.1680_1683del (p.Glu560fs)

Gene: MTRR (5-methyltetrahydrofolate-homocysteine methyltransferase reductase; plus strand). Cytogenetic location: 5p15.31.
Variant type: Deletion.
Coding change: c.1680_1683del on transcript NM_002454.3 (MANE Select); coding-DNA positions 1680 to 1683, 4 bases deleted (GAAA; older notation c.1680_1683delGAAA).
Protein change: p.Glu560fs; shifts the reading frame from glutamic acid 560.
Molecular consequence: frameshift variant. On other transcripts: non-coding transcript variant (14).
Genome position (GRCh38, 1-based): chr5:7,896,867-7,896,870, GAAA deleted; deleting any 4 consecutive bases within chr5:7,896,866-7,896,870 gives the same sequence; the c. name uses the placement nearest the transcript's 3' end. VCF-style (leftmost placement, unchanged base first): chr5-7896865-GAGAA-G. GRCh37 (hg19) VCF-style: chr5-7896978-GAGAA-G.
Other names: c.1680_1683del, p.Glu560fs (NM_001364440.2, NM_001364441.2, NM_001364442.2 and 1 more transcripts); short protein forms E560fs.
Identifiers: ClinVar variation 4815056 (VCV004815056.1).